The following is an entry in ClinVar:

NM_002025.4(AFF2):c.1173G>A (p.Gln391=)

Gene: AFF2 (ALF transcription elongation factor 2; plus strand). Cytogenetic location: Xq28.
Variant type: single nucleotide variant.
Coding change: c.1173G>A on transcript NM_002025.4 (MANE Select); coding-DNA position 1173, G replaced by A.
Protein change: p.Gln391=; no amino-acid change (glutamine 391 retained).
Molecular consequence: synonymous variant. On other transcripts: intron variant (4).
Genome position (GRCh38, 1-based): chrX:148,837,733, G>A. VCF-style: chrX-148837733-G-A. GRCh37 (hg19) VCF-style: chrX-147919257-G-A.
Other names: c.1161G>A, p.Gln387= (NM_001169123.2); c.1087-5233G>A (NM_001169124.2); c.1075-5233G>A (NM_001169122.2, NM_001169125.2); c.97-5233G>A (NM_001170628.1).
Identifiers: ClinVar variation 489209 (VCV000489209.4), dbSNP rs929635504, ClinGen allele CA336997053.
Genomic context (GRCh38, chrX:148,837,733, plus strand): 5'-TCTCACTTCCATGCATACTGCTGGACACTCTGAGCAGAGCACCTTTTCCATCCCAGGACA[G>A]GTCAGTTCTCTTCCTTCCTGCATTTTTGTTTGTCTTATTTTAATTATACCAATCTTCCAA-3'
Protein context (NP_002016.2, residues 381-401): SEQSTFSIPG[Gln391=]ESQHLTPGFT

ClinVar aggregate classification (germline): Uncertain significance. Review status: criteria provided, multiple submitters, no conflicts (2 of 4 stars). 2 submissions from 2 submitters: Uncertain significance (2). Last evaluated 2025-11-06.

Conditions:
FRAXE. Also called: FRAXE Syndrome; FRAXE intellectual disability; Intellectual disability, X-linked, FRAXE type; Fragile XE syndrome; Intellectual developmental disorder, X-linked 109. Identifiers: Orphanet 100973, MedGen C0751157, MONDO:0010659, OMIM 309548. Disease mechanism: loss of function.

Allele frequency attached by ClinVar (database versions not stated): gnomAD exomes 0.00001.
gnomAD v4.1: 7 of 1,158,012 alleles (0.0006%); highest among the groups gnomAD compares: Middle Eastern, 0.024%; no homozygotes.

Submissions (2):

GeneDx
Classification: Uncertain significance. Last evaluated: 2025-11-06. Review status: criteria provided, single submitter. Criteria: GeneDx Variant Classification Process June 2021. Collection method: clinical testing. Allele origin: germline. Affected: yes.
Comment: Alters the last nucleotide of the exon and is predicted to damage the splice donor site but the effect on protein function is unclear; Not observed at significant frequency in large population cohorts (gnomAD); Has not been previously published as pathogenic or benign to our knowledge

Baylor Genetics
Classification: Uncertain significance for FRAXE. Last evaluated: 2019-04-11. Review status: criteria provided, single submitter. Criteria: ACMG Guidelines, 2015. Collection method: clinical testing. Allele origin: maternal. Affected: yes.
Comment: This variant was determined to be of uncertain significance according to ACMG Guidelines, 2015 [PMID:25741868].